The following is an entry in ClinVar:

ClinVar aggregate classification (germline): Uncertain significance (1 of 4 stars; one submission).

gnomAD v4.1: 2 of 1,598,340 alleles (0.00013%); highest among the groups gnomAD compares: Non-Finnish European, 0.00017%; no homozygotes.

Submission:

Dasa
Classification: Uncertain significance. Last evaluated: 2026-07-01. Review status: criteria provided, single submitter. Criteria: DASA Assertion Criteria. Collection method: clinical testing. Allele origin: germline.
Comment: NM_001330384.2(BRD4):c.2239A>G (p.Met747Val) is a missense variant that results in the substitution of methionine with valine. This variant is rare in population databases. Computational prediction algorithms are consistent with a benign effect. The currently available literature and clinical evidence are not sufficient to establish a definitive association between this variant and the reported condition. Therefore, this variant is classified as a variant of uncertain significance.

NM_001379291.1(BRD4):c.2158+449A>G

Gene: BRD4 (bromodomain containing 4; minus strand). Cytogenetic location: 19p13.12.
Variant type: single nucleotide variant.
Coding change: c.2158+449A>G on transcript NM_001379291.1 (MANE Select); 449 bases into the intron after coding-DNA position 2158, A replaced by G.
Molecular consequence: intron variant. On other transcripts: missense variant (1).
Genome position (GRCh38, 1-based): chr19:15,253,703, T>C on the plus strand (A>G on the coding strand, the complement: BRD4 is on the minus strand). VCF-style: chr19-15253703-T-C. GRCh37 (hg19) VCF-style: chr19-15364514-T-C.
Other names: c.2239A>G, p.Met747Val (NM_001330384.2); c.2158+449A>G (NM_058243.3, NM_001379292.1, NM_014299.3); short protein forms M747V.
Identifiers: ClinVar variation 5020277 (VCV005020277.1).